The following is an entry in ClinVar:

ClinVar aggregate classification (germline): Uncertain significance (1 of 4 stars; one submission).

Conditions:
Hereditary diffuse gastric adenocarcinoma (HDGC). Also called: DIFFUSE GASTRIC AND LOBULAR BREAST CANCER SYNDROME. Identifiers: Orphanet 26106, MedGen C1708349, MONDO:0007648, OMIM 137215.

Submission:

Labcorp Genetics (formerly Invitae), Labcorp
Classification: Uncertain significance for Hereditary diffuse gastric adenocarcinoma. Last evaluated: 2025-04-30. Review status: criteria provided, single submitter. Criteria: Invitae Variant Classification Sherloc (09022015). Collection method: clinical testing. Allele origin: germline.
Comment: This sequence change replaces glutamic acid, which is acidic and polar, with glutamine, which is neutral and polar, at codon 47 of the CDH1 protein (p.Glu47Gln). This variant is not present in population databases (gnomAD no frequency). This variant has not been reported in the literature in individuals affected with CDH1-related conditions. ClinVar contains an entry for this variant (Variation ID: 1062993). An algorithm developed to predict the effect of missense changes on protein structure and function (PolyPhen-2) suggests that this variant is likely to be tolerated. In summary, the available evidence is currently insufficient to determine the role of this variant in disease. Therefore, it has been classified as a Variant of Uncertain Significance.

NM_004360.5(CDH1):c.139G>C (p.Glu47Gln)

Gene: CDH1 (cadherin 1; plus strand). Cytogenetic location: 16q22.1.
Variant type: single nucleotide variant.
Coding change: c.139G>C on transcript NM_004360.5 (MANE Select); coding-DNA position 139, G replaced by C.
Protein change: p.Glu47Gln; replaces glutamic acid 47 with glutamine.
Molecular consequence: missense variant. On other transcripts: 5 prime UTR variant (2).
Genome position (GRCh38, 1-based): chr16:68,738,387, G>C. VCF-style: chr16-68738387-G-C. GRCh37 (hg19) VCF-style: chr16-68772290-G-C.
Other names: c.139G>C, p.Glu47Gln (NM_001317184.2); c.-1477G>C (NM_001317185.2); c.-1681G>C (NM_001317186.2); short protein forms E47Q.
Identifiers: ClinVar variation 1062993 (VCV001062993.9), dbSNP rs2152114456, ClinGen allele CA396452220.
Genomic context (GRCh38, chr16:68,738,387, plus strand): 5'-CCCTGCCACCCTGGCTTTGACGCCGAGAGCTACACGTTCACGGTGCCCCGGCGCCACCTG[G>C]AGAGAGGCCGCGTCCTGGGCAGAGGTGAGGGCGCGCTGCCGGTGTCCCTGGGCGGAGTAG-3'
Protein context (NP_004351.1, residues 37-57): YTFTVPRRHL[Glu47Gln]RGRVLGRVNF